The following is an entry in ClinVar:

NM_000051.4(ATM):c.7662T>G (p.His2554Gln)

Genes: ATM (ATM serine/threonine kinase; plus strand), C11orf65 (chromosome 11 open reading frame 65; minus strand). Cytogenetic location: 11q22.3.
Variant type: single nucleotide variant.
Coding change: c.7662T>G on transcript NM_000051.4 (MANE Select); coding-DNA position 7662, T replaced by G.
Protein change: p.His2554Gln; replaces histidine 2554 with glutamine.
Molecular consequence: missense variant. On other transcripts: intron variant (2).
Genome position (GRCh38, 1-based): chr11:108,331,911, T>G. VCF-style: chr11-108331911-T-G. GRCh37 (hg19) VCF-style: chr11-108202638-T-G.
Other names: c.7662T>G, p.His2554Gln (NM_001351834.2); c.641-22840A>C (NM_001330368.2); c.*38+3309A>C (NM_001351110.2); short protein forms H2554Q.
Identifiers: ClinVar variation 3223009 (VCV003223009.1), dbSNP rs2136517586, ClinGen allele CA382560955.

ClinVar aggregate classification (germline): Uncertain significance (1 of 4 stars; one submission).

Conditions:
Hereditary cancer-predisposing syndrome. Also called: Tumor predisposition; Hereditary Cancer Syndrome; Hereditary neoplastic syndrome; Neoplastic Syndromes, Hereditary. Identifiers: Orphanet 140162, MedGen C0027672, MeSH D009386, MONDO:0015356.

Submission:

Ambry Genetics
Classification: Uncertain significance for Hereditary cancer-predisposing syndrome. Last evaluated: 2023-10-01. Review status: criteria provided, single submitter. Criteria: Ambry Variant Classification Scheme 2023. Collection method: clinical testing. Allele origin: germline.
Comment: The p.H2554Q variant (also known as c.7662T>G), located in coding exon 51 of the ATM gene, results from a T to G substitution at nucleotide position 7662. The histidine at codon 2554 is replaced by glutamine, an amino acid with highly similar properties. This amino acid position is conserved. In addition, this alteration is predicted to be deleterious by in silico analysis. Since supporting evidence is limited at this time, the clinical significance of this alteration remains unclear.